The following is an entry in ClinVar:

ClinVar aggregate classification (germline): Uncertain significance. Review status: criteria provided, multiple submitters, no conflicts (2 of 4 stars). 3 submissions from 3 submitters: Uncertain significance (3). Last evaluated 2024-10-17.

Allele frequency attached by ClinVar (database versions not stated): gnomAD exomes 0.00001.
gnomAD v4.1: 14 of 1,611,132 alleles (0.00087%); highest among the groups gnomAD compares: East Asian, 0.0022%; no homozygotes.

Submissions (3):

Labcorp Genetics (formerly Invitae), Labcorp
Classification: Uncertain significance. Last evaluated: 2024-10-17. Review status: criteria provided, single submitter. Criteria: Invitae Variant Classification Sherloc (09022015). Collection method: clinical testing. Allele origin: germline.
Comment: This sequence change replaces serine, which is neutral and polar, with leucine, which is neutral and non-polar, at codon 251 of the SOX10 protein (p.Ser251Leu). This variant is present in population databases (no rsID available, gnomAD 0.006%). This variant has not been reported in the literature in individuals affected with SOX10-related conditions. ClinVar contains an entry for this variant (Variation ID: 2499352). Invitae Evidence Modeling of protein sequence and biophysical properties (such as structural, functional, and spatial information, amino acid conservation, physicochemical variation, residue mobility, and thermodynamic stability) indicates that this missense variant is not expected to disrupt SOX10 protein function with a negative predictive value of 95%. In summary, the available evidence is currently insufficient to determine the role of this variant in disease. Therefore, it has been classified as a Variant of Uncertain Significance.

Mayo Clinic Laboratories, Mayo Clinic
Classification: Uncertain significance. Last evaluated: 2024-07-25. Review status: criteria provided, single submitter. Criteria: ACMG Guidelines, 2015. Collection method: clinical testing. Allele origin: germline. Observed: 1 variant allele.
Comment: PM2

GeneDx
Classification: Uncertain significance. Last evaluated: 2022-10-12. Review status: criteria provided, single submitter. Criteria: GeneDx Variant Classification Process June 2021. Collection method: clinical testing. Allele origin: germline. Affected: yes.
Comment: Not observed at significant frequency in large population cohorts (gnomAD); In silico analysis supports that this missense variant has a deleterious effect on protein structure/function; Has not been previously published as pathogenic or benign to our knowledge

NM_006941.4(SOX10):c.752C>T (p.Ser251Leu)

Genes: POLR2F (RNA polymerase II, I and III subunit F; plus strand), SOX10 (SRY-box transcription factor 10; minus strand). Cytogenetic location: 22q13.1.
Variant type: single nucleotide variant.
Coding change: c.752C>T on transcript NM_006941.4 (MANE Select); coding-DNA position 752, C replaced by T.
Protein change: p.Ser251Leu; replaces serine 251 with leucine.
Molecular consequence: missense variant. On other transcripts: intron variant (3).
Genome position (GRCh38, 1-based): chr22:37,974,144, G>A on the plus strand (C>T on the coding strand, the complement: SOX10 is on the minus strand). VCF-style: chr22-37974144-G-A. GRCh37 (hg19) VCF-style: chr22-38370151-G-A.
Other names: p.Ser251Leu; c.*38+1834G>A (NM_001363825.1); c.293+6974G>A (NM_001301130.2, NM_001301131.2); short protein forms S251L.
Identifiers: ClinVar variation 2499352 (VCV002499352.4), dbSNP rs74315518, ClinGen allele CA411494490.
Genomic context (GRCh38, chr22:37,974,144, plus strand): 5'-ATGTGAGGCTTCCCGCCCTCCCCCATGGAGCGCCCGTCCCGCTTCGGGTCTGCCTTGCCC[G>A]ACTGCAGCTCTGTCTTCGGGGTGGTTGGAGGGGTGGGTGGGCCATGGCTCTGGCCTGGGT-3'
Protein context (NP_008872.1, residues 241-261): PPTTPKTELQ[Ser251Leu]GKADPKRDGR